The following is an entry in ClinVar:

ClinVar aggregate classification (germline): Uncertain significance. Review status: criteria provided, multiple submitters, no conflicts (2 of 4 stars). 4 submissions from 4 submitters: Uncertain significance (4). Last evaluated 2025-12-17.

Conditions:
Familial adenomatous polyposis 1 (FAP1). Also called: FAMILIAL ADENOMATOUS POLYPOSIS 1, ATTENUATED; POLYPOSIS, ADENOMATOUS INTESTINAL. Identifiers: MedGen C2713442, MONDO:0021056, OMIM 175100. Disease mechanism: loss of function.
Hereditary cancer-predisposing syndrome. Also called: Neoplastic Syndromes, Hereditary; Tumor predisposition; Hereditary Cancer Syndrome; Hereditary neoplastic syndrome. Identifiers: Orphanet 140162, MedGen C0027672, MeSH D009386, MONDO:0015356.

Allele frequency attached by ClinVar (database versions not stated): gnomAD exomes 0.00001; TOPMed 0.00002.
gnomAD v4.1: 10 of 1,614,048 alleles (0.00062%); highest among the groups gnomAD compares: Non-Finnish European, 0.00085%; no homozygotes.

Submissions (4):

Labcorp Genetics (formerly Invitae), Labcorp
Classification: Uncertain significance for Familial adenomatous polyposis 1. Last evaluated: 2025-12-17. Review status: criteria provided, single submitter. Criteria: Invitae Variant Classification Sherloc (09022015). Collection method: clinical testing. Allele origin: germline.
Comment: This sequence change replaces asparagine, which is neutral and polar, with isoleucine, which is neutral and non-polar, at codon 436 of the APC protein (p.Asn436Ile). This variant is not present in population databases (gnomAD no frequency). This variant has not been reported in the literature in individuals affected with APC-related conditions. ClinVar contains an entry for this variant (Variation ID: 230942). Invitae Evidence Modeling of protein sequence and biophysical properties (such as structural, functional, and spatial information, amino acid conservation, physicochemical variation, residue mobility, and thermodynamic stability) indicates that this missense variant is not expected to disrupt APC protein function with a negative predictive value of 95%. In summary, the available evidence is currently insufficient to determine the role of this variant in disease. Therefore, it has been classified as a Variant of Uncertain Significance.

Ambry Genetics
Classification: Uncertain significance for Hereditary cancer-predisposing syndrome. Last evaluated: 2025-08-13. Review status: criteria provided, single submitter. Criteria: Ambry Variant Classification Scheme 2023. Collection method: clinical testing. Allele origin: germline.
Comment: The p.N436I variant (also known as c.1307A>T), located in coding exon 9 of the APC gene, results from an A to T substitution at nucleotide position 1307. The asparagine at codon 436 is replaced by isoleucine, an amino acid with dissimilar properties. This amino acid position is highly conserved in available vertebrate species. In addition, in silico predictors for this gene do not accurately predict pathogenicity. Missense alterations in APC are not a common cause of disease (Spier I et al. Genet Med. 2024 Feb;26(2):100992). Based on the available evidence, the clinical significance of this variant remains unclear.

GeneDx
Classification: Uncertain significance. Last evaluated: 2024-01-29. Review status: criteria provided, single submitter. Criteria: GeneDx Variant Classification Process June 2021. Collection method: clinical testing. Allele origin: germline. Affected: yes.
Comment: Not observed at significant frequency in large population cohorts (gnomAD); In silico analysis supports that this missense variant has a deleterious effect on protein structure/function; Has not been previously published as pathogenic or benign to our knowledge

Color Diagnostics, LLC DBA Color Health
Classification: Uncertain significance for Hereditary cancer-predisposing syndrome. Last evaluated: 2024-01-16. Review status: criteria provided, single submitter. Criteria: ACMG Guidelines, 2015. Collection method: clinical testing. Allele origin: germline.
Comment: This missense variant replaces asparagine with isoleucine at codon 436 of the APC protein. Computational prediction is inconclusive regarding the impact of this variant on protein structure and function (internally defined REVEL score threshold 0.5 < inconclusive < 0.7, PMID: 27666373). To our knowledge, functional studies have not been reported for this variant. This variant has not been reported in individuals affected with APC-related disorders in the literature. This variant has not been identified in the general population by the Genome Aggregation Database (gnomAD). The available evidence is insufficient to determine the role of this variant in disease conclusively. Therefore, this variant is classified as a Variant of Uncertain Significance.

NM_000038.6(APC):c.1307A>T (p.Asn436Ile)

Gene: APC (APC regulator of Wnt signaling pathway; plus strand). Cytogenetic location: 5q22.2.
Variant type: single nucleotide variant.
Coding change: c.1307A>T on transcript NM_000038.6 (MANE Select); coding-DNA position 1307, A replaced by T.
Protein change: p.Asn436Ile; replaces asparagine 436 with isoleucine.
Molecular consequence: missense variant.
Genome position (GRCh38, 1-based): chr5:112,819,339, A>T. VCF-style: chr5-112819339-A-T. GRCh37 (hg19) VCF-style: chr5-112155036-A-T.
Other names: c.1307A>T, p.Asn436Ile (NM_001127510.3, NM_001354895.2, NM_001354896.2); c.1253A>T, p.Asn418Ile (NM_001127511.3); c.1337A>T, p.Asn446Ile (NM_001354897.2); c.1232A>T, p.Asn411Ile (NM_001354898.2); c.1223A>T, p.Asn408Ile (NM_001354899.2); c.1130A>T, p.Asn377Ile (NM_001354900.2, NM_001354901.2); c.1034A>T, p.Asn345Ile (NM_001354902.2); c.1004A>T, p.Asn335Ile (NM_001354903.2); and 3 more; short protein forms N418I, N436I, N335I, N446I, N153I, N276I, N310I, N408I.
Identifiers: ClinVar variation 230942 (VCV000230942.21), dbSNP rs876658856, ClinGen allele CA10578312.